The following is an entry in ClinVar:

ClinVar aggregate classification (germline): Uncertain significance (1 of 4 stars; one submission).

Conditions:
Nephronophthisis. Also called: Juvenile Nephronophthisis. Identifiers: Orphanet 655, MedGen C0687120, MONDO:0019005, HP:0000090.
Meckel-Gruber syndrome. Also called: DYSENCEPHALIA SPLANCHNOCYSTICA; GRUBER SYNDROME; Dysencephalia splachnocystica. Identifiers: Orphanet 564, MedGen C0265215, MONDO:0018921.
Joubert syndrome. Also called: CEREBELLOPARENCHYMAL DISORDER IV; JOUBERT-BOLTSHAUSER SYNDROME; Familial aplasia of the vermis. Identifiers: Orphanet 475, MedGen C5979921, MONDO:0018772.

Allele frequency attached by ClinVar (database versions not stated): gnomAD exomes 0.00001.
gnomAD v4.1: 11 of 1,601,912 alleles (0.00069%); highest among the groups gnomAD compares: Non-Finnish European, 0.00094%; no homozygotes.

Submission:

Labcorp Genetics (formerly Invitae), Labcorp
Classification: Uncertain significance for Joubert syndrome; Meckel-Gruber syndrome; Nephronophthisis. Last evaluated: 2021-01-01. Review status: criteria provided, single submitter. Criteria: Invitae Variant Classification Sherloc (09022015). Collection method: clinical testing. Allele origin: germline.
Comment: In summary, the available evidence is currently insufficient to determine the role of this variant in disease. Therefore, it has been classified as a Variant of Uncertain Significance. Algorithms developed to predict the effect of missense changes on protein structure and function output the following: SIFT: "Tolerated"; PolyPhen-2: "Benign"; Align-GVGD: "Class C0". The threonine amino acid residue is found in multiple mammalian species, suggesting that this missense change does not adversely affect protein function. These predictions have not been confirmed by published functional studies and their clinical significance is uncertain. This variant has not been reported in the literature in individuals with CEP290-related conditions. This variant is not present in population databases (ExAC no frequency). This sequence change replaces isoleucine with threonine at codon 727 of the CEP290 protein (p.Ile727Thr). The isoleucine residue is weakly conserved and there is a moderate physicochemical difference between isoleucine and threonine.

NM_025114.4(CEP290):c.2180T>C (p.Ile727Thr)

Gene: CEP290 (centrosomal protein 290; minus strand). Cytogenetic location: 12q21.32.
Variant type: single nucleotide variant.
Coding change: c.2180T>C on transcript NM_025114.4 (MANE Select); coding-DNA position 2180, T replaced by C.
Protein change: p.Ile727Thr; replaces isoleucine 727 with threonine.
Molecular consequence: missense variant.
Genome position (GRCh38, 1-based): chr12:88,111,731, A>G on the plus strand (T>C on the coding strand, the complement: CEP290 is on the minus strand). VCF-style: chr12-88111731-A-G. GRCh37 (hg19) VCF-style: chr12-88505508-A-G.
Other names: short protein forms I727T.
Identifiers: ClinVar variation 1513914 (VCV001513914.8), dbSNP rs2137721924, ClinGen allele CA385974924.